The following is an entry in ClinVar:

ClinVar aggregate classification (germline): Likely pathogenic (1 of 4 stars; one submission).

Conditions:
Intellectual disability and myopathy syndrome (IDMYS). Identifiers: MedGen C5676904, MONDO:0859224, OMIM 619719.

Submission:

Variantyx, Inc.
Classification: Likely pathogenic for Intellectual disability and myopathy syndrome. Last evaluated: 2025-05-18. Review status: criteria provided, single submitter. Criteria: Variantyx Assertion Criteria 2022. Collection method: clinical testing. Allele origin: germline. Inheritance: Autosomal recessive inheritance. Affected: no.
Comment: This is a frameshift variant in the ABCC9 gene (OMIM: 601439). Pathogenic variants in this gene have been associated with autosomal recessive intellectual disability and myopathy syndrome. This variant introduces a premature termination codon in exon 6 out of 40 and is expected to result in loss of function, which is a known disease mechanism for ABCC9 in this disorder (PMID:31575858) (PVS1). This variant is absent from control populations (PM2) and ut has not been reported in individuals with ABCC9-related disorders in the databases available for review. Based on the current evidence, this variant is classified as likely pathogenic for autosomal recessive intellectual disability and myopathy syndrome.No other variant of clinical significance was identified in the ABCC9 gene.

Literature cited by the submitters: PubMed 31575858.

NM_020297.4(ABCC9):c.409del (p.Leu137fs)

Gene: ABCC9 (ATP binding cassette subfamily C member 9; minus strand). Cytogenetic location: 12p12.1.
Variant type: Deletion.
Coding change: c.409del on transcript NM_020297.4 (MANE Select); coding-DNA position 409, one base deleted (C; older notation c.409delC).
Protein change: p.Leu137fs; shifts the reading frame from leucine 137.
Molecular consequence: frameshift variant. On other transcripts: intron variant (1).
Genome position (GRCh38, 1-based): chr12:21,917,101, G deleted on the plus strand (C on the coding strand, the reverse complement: ABCC9 is on the minus strand); the first of 3 consecutive G bases (chr12:21,917,101-21,917,103); deleting any one gives the same sequence. VCF-style (leftmost placement, unchanged base first): chr12-21917100-AG-A. GRCh37 (hg19) VCF-style: chr12-22070034-AG-A.
Other names: c.409del, p.Leu137fs (NM_001377273.1, NM_005691.4); c.-48-4035del (NM_001377274.1); short protein forms L137fs.
Identifiers: ClinVar variation 4850166 (VCV004850166.1).